The following is an entry in ClinVar:

ClinVar aggregate classification (germline): Pathogenic/Likely pathogenic. Review status: criteria provided, multiple submitters, no conflicts (2 of 4 stars). 5 submissions from 5 submitters: Pathogenic (3); Likely pathogenic (2). Last evaluated 2025-05-19.

Conditions:
Xeroderma pigmentosum, group C (XPC). Also called: XPC-Related Xeroderma Pigmentosum; XERODERMA PIGMENTOSUM III; XP, GROUP C; Xeroderma pigmentosum, complementation group C. Identifiers: Orphanet 910, MedGen C2752147, MONDO:0010211, OMIM 278720.

Submissions (5):

Dasa
Classification: Likely pathogenic. Last evaluated: 2025-05-19. Review status: criteria provided, single submitter. Criteria: DASA Assertion Criteria. Collection method: clinical testing. Allele origin: germline.
Comment: NM_004628.5(XPC):c.2216_2217del (p.Glu739Glyfs*59) is a frameshift variant in XPC predicted to alter the reading frame and introduce a premature termination codon and is predicted to result in an absent or altered protein product. Loss of function is an established disease mechanism for XPC-associated disorders. Also, this variant is rare in population databases. Based on the currently available evidence, this variant is classified as likely pathogenic.

Baylor Genetics
Classification: Likely pathogenic for Xeroderma pigmentosum, group C. Last evaluated: 2023-08-22. Review status: criteria provided, single submitter. Criteria: ACMG Guidelines, 2015. Collection method: clinical testing. Allele origin: unknown.

Labcorp Genetics (formerly Invitae), Labcorp
Classification: Pathogenic. Last evaluated: 2023-07-07. Review status: criteria provided, single submitter. Criteria: Invitae Variant Classification Sherloc (09022015). Collection method: clinical testing. Allele origin: germline.
Comment: This sequence change creates a premature translational stop signal (p.Glu739Glyfs*59) in the XPC gene. It is expected to result in an absent or disrupted protein product. Loss-of-function variants in XPC are known to be pathogenic (PMID: 23173980, 25256075). This variant is not present in population databases (gnomAD no frequency). This variant has not been reported in the literature in individuals affected with XPC-related conditions. ClinVar contains an entry for this variant (Variation ID: 836224). For these reasons, this variant has been classified as Pathogenic.

3billion
Classification: Pathogenic for Xeroderma pigmentosum, group C. Last evaluated: 2022-01-03. Review status: criteria provided, single submitter. Criteria: ACMG Guidelines, 2015. Collection method: clinical testing. Allele origin: germline. Affected: yes. Observed: 1 homozygote.
Comment: The variant has been reported at least twice as pathogenic/likely pathogenic with clinical assertions and evidence for the classification (ClinVar ID: VCV000836224). Frameshift: predicted to result in a loss or disruption of normal protein function through nonsense-mediated decay (NMD) or protein truncation. Multiple pathogenic variants are reported downstream of the variant (PVS1_VS). It is observed at an extremely low frequency in the gnomAD v2.1.1 dataset (total allele frequency: 0.000004, PM2_M). Therefore, this variant is classified as pathogenic according to the recommendation of ACMG/AMP guideline.

CeGaT Center for Human Genetics Tuebingen
Classification: Pathogenic. Last evaluated: 2018-08-01. Review status: criteria provided, single submitter. Criteria: CeGaT Center For Human Genetics Tuebingen Variant Classification Criteria Version 2. Collection method: clinical testing. Allele origin: germline. Affected: yes. Observed: 1 variant allele.

Literature cited by the submitters: PubMed 23173980 (cited by Labcorp Genetics (formerly Invitae), Labcorp); PubMed 25256075 (cited by Labcorp Genetics (formerly Invitae), Labcorp).

NM_004628.5(XPC):c.2216_2217del (p.Glu739fs)

Gene: XPC (XPC complex subunit, DNA damage recognition and repair factor; minus strand). Cytogenetic location: 3p25.1.
Variant type: Microsatellite.
Coding change: c.2216_2217del on transcript NM_004628.5 (MANE Select); coding-DNA positions 2216 to 2217, 2 bases deleted (AG; older notation c.2216_2217delAG).
Protein change: p.Glu739fs; shifts the reading frame from glutamic acid 739.
Molecular consequence: frameshift variant. On other transcripts: non-coding transcript variant (2).
Genome position (GRCh38, 1-based): chr3:14,148,847-14,148,848, CT deleted on the plus strand (AG on the coding strand, the reverse complement: XPC is on the minus strand); deleting any 2 consecutive bases within chr3:14,148,847-14,148,850 gives the same sequence; the c. name uses the placement nearest the transcript's 3' end. VCF-style (leftmost placement, unchanged base first): chr3-14148846-CCT-C. GRCh37 (hg19) VCF-style: chr3-14190346-CCT-C.
Other names: c.1637_1638del, p.Glu546fs (NM_001354726.2); c.2210_2211del, p.Glu737fs (NM_001354727.2); c.2198_2199del, p.Glu733fs (NM_001354729.2); c.1970_1971del, p.Glu657fs (NM_001354730.2); short protein forms E546fs, E737fs, E739fs, E657fs, E733fs.
Identifiers: ClinVar variation 836224 (VCV000836224.52), dbSNP rs1559369237, ClinGen allele CA916081428.